The following is an entry in ClinVar:

NM_001378687.1(ATP2C1):c.1309-4_1309-2delinsTTG

Gene: ATP2C1 (ATPase secretory pathway Ca2+ transporting 1; plus strand). Cytogenetic location: 3q22.1.
Variant type: Indel.
Coding change: c.1309-4_1309-2delinsTTG on transcript NM_001378687.1 (MANE Select); 4 bases into the intron before coding-DNA position 1309 through the canonical splice acceptor site of the intron before coding-DNA position 1309, ATA replaced by TTG.
Molecular consequence: splice acceptor variant.
Genome position (GRCh38, 1-based): chr3:130,969,288-130,969,290, ATA replaced by TTG. VCF-style: chr3-130969288-ATA-TTG. GRCh37 (hg19) VCF-style: chr3-130688132-ATA-TTG.
Other names: c.1411-4_1411-2delinsTTG (NM_001378511.1, NM_001199180.2, NM_001199181.3); c.1294-4_1294-2delinsTTG (NM_001199182.2); c.1309-4_1309-2delinsTTG (NM_001001486.2, NM_001001487.2, NM_001199179.3 and 5 more transcripts); c.1261-4_1261-2delinsTTG (NM_001199184.3, NM_001378514.1, NM_001199183.2).
Identifiers: ClinVar variation 2869404 (VCV002869404.3), dbSNP rs2531132403, ClinGen allele CA2586965853.
Genomic context (GRCh38, chr3:130,969,288, plus strand): 5'-TCTTTGTTAAAGGAAAAAATAATCACATATAGGTGAGAATTAACTTTCTCTTTGTGCCAT[ATA>TTG]GATGGGTCTTGATGGACTTCAACAAGACTACATCAGAAAAGCTGAATACCCTTTTAGCTC-3'

ClinVar aggregate classification (germline): Pathogenic (1 of 4 stars; one submission).

Submission:

Labcorp Genetics (formerly Invitae), Labcorp
Classification: Pathogenic. Last evaluated: 2022-12-30. Review status: criteria provided, single submitter. Criteria: Invitae Variant Classification Sherloc (09022015). Collection method: clinical testing. Allele origin: germline.
Comment: This sequence change affects an acceptor splice site in intron 15 of the ATP2C1 gene. It is expected to disrupt RNA splicing. Variants that disrupt the donor or acceptor splice site typically lead to a loss of protein function (PMID: 16199547), and loss-of-function variants in ATP2C1 are known to be pathogenic (PMID: 10615129, 10767338, 11841554). Information on the frequency of this variant in the gnomAD database is not available, as this variant may be reported differently in the database. Disruption of this splice site has been observed in individuals with Hailey-Hailey disease (PMID: 10615129; Invitae). Experimental studies and prediction algorithms are not available or were not evaluated, and the effect of this variant on mRNA splicing is currently unknown. For these reasons, this variant has been classified as Pathogenic.

Literature cited by the submitters: PubMed 16199547; PubMed 10615129; PubMed 10767338; PubMed 11841554.